The following is an entry in ClinVar:

ClinVar aggregate classification (germline): Conflicting classifications of pathogenicity. Review status: criteria provided, conflicting classifications (1 of 4 stars). 3 submissions from 3 submitters: Uncertain significance (2); Likely benign (1). Last evaluated 2025-10-15.

Conditions:
Fanconi anemia (FA). Also called: Fanconi's anemia. Identifiers: Orphanet 84, MedGen C0015625, MeSH D005199, MONDO:0019391.

Allele frequency attached by ClinVar (database versions not stated): ExAC 0.00002; gnomAD exomes 0.00003 and 0.00006; TOPMed 0.00004; gnomAD 0.00006 and 0.00007; ESP Exome Variant Server 0.00008.
gnomAD v4.1: 90 of 1,613,876 alleles (0.0056%); highest among the groups gnomAD compares: Admixed American, 0.01%; no homozygotes.

Submissions (3):

Labcorp Genetics (formerly Invitae), Labcorp
Classification: Uncertain significance for Fanconi anemia. Last evaluated: 2025-10-15. Review status: criteria provided, single submitter. Criteria: Invitae Variant Classification Sherloc (09022015). Collection method: clinical testing. Allele origin: germline.
Comment: This sequence change replaces glutamic acid, which is acidic and polar, with lysine, which is basic and polar, at codon 1157 of the FANCM protein (p.Glu1157Lys). This variant is present in population databases (rs374461604, gnomAD 0.01%). This missense change has been observed in individual(s) with aplastic anemia (PMID: 36622392). This missense change has been observed to co-occur in individuals with a different variant in FANCM that has been determined to be pathogenic (internal data), but the significance of this finding is unclear. ClinVar contains an entry for this variant (Variation ID: 845667). An algorithm developed to predict the effect of missense changes on protein structure and function outputs the following: PolyPhen-2: "Benign". The lysine amino acid residue is found in multiple mammalian species, which suggests that this missense change does not adversely affect protein function. In summary, the available evidence is currently insufficient to determine the role of this variant in disease. Therefore, it has been classified as a Variant of Uncertain Significance.

GeneDx
Classification: Uncertain significance. Last evaluated: 2023-08-09. Review status: criteria provided, single submitter. Criteria: GeneDx Variant Classification Process June 2021. Collection method: clinical testing. Allele origin: germline. Affected: yes.
Comment: Not observed at a significant frequency in large population cohorts (gnomAD); In silico analysis supports that this missense variant does not alter protein structure/function; Observed in an individual with breast cancer (Lu et al., 2015); This variant is associated with the following publications: (PMID: 26689913)

Blueprint Genetics
Classification: Likely benign. Last evaluated: 2022-09-28. Review status: criteria provided, single submitter. Criteria: ACMG Guidelines, 2015. Collection method: clinical testing. Allele origin: germline.

Literature cited by the submitters: PubMed 36622392 (cited by Labcorp Genetics (formerly Invitae), Labcorp).

NM_020937.4(FANCM):c.3469G>A (p.Glu1157Lys)

Gene: FANCM (FA complementation group M; plus strand). Cytogenetic location: 14q21.2.
Variant type: single nucleotide variant.
Coding change: c.3469G>A on transcript NM_020937.4 (MANE Select); coding-DNA position 3469, G replaced by A.
Protein change: p.Glu1157Lys; replaces glutamic acid 1157 with lysine.
Molecular consequence: missense variant.
Genome position (GRCh38, 1-based): chr14:45,176,223, G>A. VCF-style: chr14-45176223-G-A. GRCh37 (hg19) VCF-style: chr14-45645426-G-A.
Other names: c.3391G>A, p.Glu1131Lys (NM_001308133.2); short protein forms E1131K, E1157K.
Identifiers: ClinVar variation 845667 (VCV000845667.13), dbSNP rs374461604, ClinGen allele CA7169514.